The following is an entry in ClinVar:

NM_001199397.3(NEK1):c.3395C>T (p.Thr1132Ile)

Gene: NEK1 (NIMA related kinase 1; minus strand). Cytogenetic location: 4q33.
Variant type: single nucleotide variant.
Coding change: c.3395C>T on transcript NM_001199397.3 (MANE Select); coding-DNA position 3395, C replaced by T.
Protein change: p.Thr1132Ile; replaces threonine 1132 with isoleucine.
Molecular consequence: missense variant. On other transcripts: non-coding transcript variant (1).
Genome position (GRCh38, 1-based): chr4:169,401,840, G>A on the plus strand (C>T on the coding strand, the complement: NEK1 is on the minus strand). VCF-style: chr4-169401840-G-A. GRCh37 (hg19) VCF-style: chr4-170322991-G-A.
Other names: c.3263C>T, p.Thr1088Ile (NM_001199398.3); c.3104C>T, p.Thr1035Ile (NM_001199399.3); c.3179C>T, p.Thr1060Ile (NM_001199400.3); c.3395C>T, p.Thr1132Ile (NM_001374418.1); c.3311C>T, p.Thr1104Ile (NM_001374419.1, NM_012224.4); c.3260C>T, p.Thr1087Ile (NM_001374420.1); c.2912C>T, p.Thr971Ile (NM_001374421.1); short protein forms T1035I, T1060I, T1088I, T1104I, T1087I, T1132I, T971I.
Identifiers: ClinVar variation 2710055 (VCV002710055.3), dbSNP rs2477593772, ClinGen allele CA358800697.
Genomic context (GRCh38, chr4:169,401,840, plus strand): 5'-TCTTCACCAGGTTGTTCCCTAAGTAACTGTTCCATCGAGGCCTGCAGCTCTTGTAAATCT[G>A]TGTCAGTTTCTTCAAACACACTGAAATTTAAAAAGTATAACTAAAAGTTTCAAACATACT-3'
Protein context (NP_001186326.1, residues 1122-1142): SEDIVFEETD[Thr1132Ile]DLQELQASME

ClinVar aggregate classification (germline): Uncertain significance (1 of 4 stars; one submission).

Conditions:
Short-rib thoracic dysplasia 6 with or without polydactyly (SRTD6). Also called: Majewski Syndrome; SHORT-RIB THORACIC DYSPLASIA 6 WITH POLYDACTYLY; SHORT-RIB THORACIC DYSPLASIA 6 WITHOUT POLYDACTYLY; POLYDACTYLY WITH NEONATAL CHONDRODYSTROPHY, TYPE II; SHORT RIB-POLYDACTYLY SYNDROME, TYPE IIA. Identifiers: MedGen C0024507, MONDO:0009894, OMIM 263520.

Submission:

Labcorp Genetics (formerly Invitae), Labcorp
Classification: Uncertain significance for Short-rib thoracic dysplasia 6 with or without polydactyly. Last evaluated: 2024-01-25. Review status: criteria provided, single submitter. Criteria: Invitae Variant Classification Sherloc (09022015). Collection method: clinical testing. Allele origin: germline.
Comment: This sequence change replaces threonine, which is neutral and polar, with isoleucine, which is neutral and non-polar, at codon 1104 of the NEK1 protein (p.Thr1104Ile). This variant is not present in population databases (gnomAD no frequency). This variant has not been reported in the literature in individuals affected with NEK1-related conditions. Advanced modeling of protein sequence and biophysical properties (such as structural, functional, and spatial information, amino acid conservation, physicochemical variation, residue mobility, and thermodynamic stability) performed at Invitae indicates that this missense variant is not expected to disrupt NEK1 protein function with a negative predictive value of 80%. In summary, the available evidence is currently insufficient to determine the role of this variant in disease. Therefore, it has been classified as a Variant of Uncertain Significance.